The following is an entry in ClinVar:

NM_001267550.2(TTN):c.1246-1G>A

Gene: TTN (titin; minus strand). Cytogenetic location: 2q31.2.
Variant type: single nucleotide variant.
Coding change: c.1246-1G>A on transcript NM_001267550.2 (MANE Select); the canonical splice acceptor site of the intron before coding-DNA position 1246, G replaced by A.
Molecular consequence: splice acceptor variant.
Genome position (GRCh38, 1-based): chr2:178,794,552, C>T on the plus strand (G>A on the coding strand, the complement: TTN is on the minus strand). VCF-style: chr2-178794552-C-T. GRCh37 (hg19) VCF-style: chr2-179659279-C-T.
Other names: c.1246-1G>A (NM_003319.4, NM_133437.4, NM_133432.3 and 3 more transcripts).
Identifiers: ClinVar variation 4784241 (VCV004784241.1).

ClinVar aggregate classification (germline): Likely pathogenic (1 of 4 stars; one submission).

Conditions:
Dilated cardiomyopathy 1G (CMD1G). Identifiers: Orphanet 154, MedGen C1858763, MONDO:0011400, OMIM 604145.
Autosomal recessive limb-girdle muscular dystrophy type 2J (LGMDR10). Also called: Limb-girdle muscular dystrophy, type 2J; MUSCULAR DYSTROPHY, LIMB-GIRDLE, AUTOSOMAL RECESSIVE 10. Identifiers: Orphanet 140922, MedGen C1837342, MONDO:0012127, OMIM 608807.

Submission:

Labcorp Genetics (formerly Invitae), Labcorp
Classification: Likely pathogenic for Dilated cardiomyopathy 1G; Autosomal recessive limb-girdle muscular dystrophy type 2J. Last evaluated: 2025-02-20. Review status: criteria provided, single submitter. Criteria: Invitae Variant Classification Sherloc (09022015). Collection method: clinical testing. Allele origin: germline.
Comment: This sequence change affects an acceptor splice site in intron 7 of the TTN gene. It is expected to disrupt RNA splicing and likely results in a truncated or disrupted TTN protein. This variant is not present in population databases (gnomAD no frequency). This variant has not been reported in the literature in individuals affected with TTN-related conditions. Algorithms developed to predict the effect of sequence changes on RNA splicing suggest that this variant may disrupt the consensus splice site. This variant is located in the Z band of TTN (PMID: 25589632). Truncating variants in this region have been reported in individuals affected with autosomal recessive centronuclear myopathy (PMID: 33449170, internal data). Truncating variants in this region have also been identified in individuals affected with autosomal dominant dilated cardiomyopathy and/or cardio-related conditions (PMID: 27869827, 32964742, internal data). In summary, the currently available evidence indicates that the variant is pathogenic, but additional data are needed to prove that conclusively. Therefore, this variant has been classified as Likely Pathogenic.

Literature cited by the submitters: PubMed 25589632; PubMed 33449170; PubMed 27869827; PubMed 32964742.